The following is an entry in ClinVar:

ClinVar aggregate classification (germline): Conflicting classifications of pathogenicity. Review status: criteria provided, conflicting classifications (1 of 4 stars). 6 submissions from 6 submitters: Uncertain significance (5); Likely benign (1). Last evaluated 2026-08-30.

Conditions:
ADGRV1-related disorder. Also called: ADGRV1-related condition; ADGRV1-related disorders.
Febrile seizures, familial, 4 (FEB4). Also called: CONVULSIONS, FAMILIAL FEBRILE, 4. Identifiers: MedGen C1858493, MONDO:0011443, OMIM 604352.
Usher syndrome type 2C. Also called: Usher syndrome, type 2B; USHER SYNDROME, TYPE IIC. Identifiers: Orphanet 231178, Orphanet 886, MedGen C2931213, MONDO:0011558, OMIM 605472.

Allele frequency attached by ClinVar (database versions not stated): gnomAD exomes 0.00002; gnomAD 0.00004; ExAC 0.00005; TOPMed 0.00006; 1000 Genomes Project 30x 0.00016; ESP Exome Variant Server 0.00017; 1000 Genomes Project 0.00020.
gnomAD v4.1: 35 of 1,613,640 alleles (0.0022%); highest among the groups gnomAD compares: Admixed American, 0.01%; no homozygotes.

Submissions (6):

PreventionGenetics, part of Exact Sciences
Classification: Uncertain significance for ADGRV1-related condition. Last evaluated: 2026-08-30. Review status: criteria provided, single submitter. Criteria: ACMG Guidelines, 2015. Collection method: clinical testing. Allele origin: germline.
Comment: The ADGRV1 c.15145G>A variant is predicted to result in the amino acid substitution p.Ala5049Thr. To our knowledge, this variant has not been reported in the literature. This variant is reported in 0.0066% of alleles in individuals of South Asian descent in gnomAD. At this time, the clinical significance of this variant is uncertain due to the absence of conclusive functional and genetic evidence.

Labcorp Genetics (formerly Invitae), Labcorp
Classification: Likely benign. Last evaluated: 2026-01-07. Review status: criteria provided, single submitter. Criteria: Invitae Variant Classification Sherloc (09022015). Collection method: clinical testing. Allele origin: germline.

Blueprint Genetics
Classification: Uncertain significance. Last evaluated: 2024-09-10. Review status: criteria provided, single submitter. Criteria: ACMG Guidelines, 2015. Collection method: clinical testing. Allele origin: germline.

Fulgent Genetics
Classification: Uncertain significance for Febrile seizures, familial, 4; Usher syndrome type 2C. Last evaluated: 2021-11-18. Review status: criteria provided, single submitter. Criteria: ACMG Guidelines, 2015. Collection method: clinical testing. Allele origin: unknown.

Laboratory for Molecular Medicine, Mass General Brigham Personalized Medicine
Classification: Uncertain significance. Last evaluated: 2016-06-20. Review status: criteria provided, single submitter. Criteria: LMM Criteria. Collection method: clinical testing. Allele origin: germline. Observed: 1 variant allele.
Comment: The p.Ala5049Thr variant in GPR98 has not been previously reported in individual s with hearing loss. This variant has been identified in 6/115918 of the total c hromosomes in the Exome Aggregation Consortium (ExAC .org; dbSNP rs376376418). Although this variant has been seen in the general pop ulation, its frequency is not high enough to rule out a pathogenic role. Computa tional prediction tools and conservation analyses do not provide strong support for or against an impact to the protein. In summary, the clinical significance o f the p.Ala5049Thr variant is uncertain.

Eurofins Ntd Llc (ga)
Classification: Uncertain significance. Last evaluated: 2014-12-18. Review status: criteria provided, single submitter. Criteria: EGL Classification Definitions 2015. Collection method: clinical testing. Allele origin: germline. Observed: 2 variant alleles, 2 heterozygotes.

NM_032119.4(ADGRV1):c.15145G>A (p.Ala5049Thr)

Gene: ADGRV1 (adhesion G protein-coupled receptor V1; plus strand). Cytogenetic location: 5q14.3.
Variant type: single nucleotide variant.
Coding change: c.15145G>A on transcript NM_032119.4 (MANE Select); coding-DNA position 15145, G replaced by A.
Protein change: p.Ala5049Thr; replaces alanine 5049 with threonine.
Molecular consequence: missense variant. On other transcripts: non-coding transcript variant (1).
Genome position (GRCh38, 1-based): chr5:90,810,405, G>A. VCF-style: chr5-90810405-G-A. GRCh37 (hg19) VCF-style: chr5-90106222-G-A.
Other names: short protein forms A5049T.
Identifiers: ClinVar variation 198661 (VCV000198661.15), dbSNP rs376376418, ClinGen allele CA247447.